The following is an entry in ClinVar:

ClinVar aggregate classification (germline): Benign/Likely benign. Review status: criteria provided, multiple submitters, no conflicts (2 of 4 stars). 13 submissions from 12 submitters: Benign (9); Likely benign (2). 2 of the submissions do not count toward it. Last evaluated 2026-02-04.

Conditions:
Hypercholesterolemia, autosomal dominant, type B (FHCL2). Also called: Familial hypercholesterolemia 2; Familial Hypercholesterolemia Type B; APOLIPOPROTEIN B-100, FAMILIAL DEFECTIVE; APOLIPOPROTEIN B-100, FAMILIAL LIGAND-DEFECTIVE; HYPERCHOLESTEROLEMIA, FAMILIAL, DUE TO LIGAND-DEFECTIVE APOLIPOPROTEIN B; APOB-Related Familial Hypercholesterolemia, Autosomal Dominant. Identifiers: MedGen C1704417, MONDO:0007751, OMIM 144010.
Familial hypobetalipoproteinemia 1. Also called: Hypobetalipoproteinemia, normotriglyceridemic; Acanthocytosis with hypobetalipoproteinemia; APOB-Related Familial Hypobetalipoproteinemia. Identifiers: MedGen C4551990, MONDO:0014252, OMIM 615558.
Familial hypercholesterolemia. Also called: Familial hypercholesterolaemia; Familial hypercholesterolemias. Identifiers: MedGen C0020445, MONDO:0005439.
Cardiovascular phenotype. Identifiers: MedGen CN230736.

Allele frequency attached by ClinVar (database versions not stated): gnomAD exomes 0.00466; ExAC 0.00599; 1000 Genomes Project 0.01677; 1000 Genomes Project 30x 0.01718; gnomAD 0.01780 and 0.01938; TOPMed 0.02094; ESP Exome Variant Server 0.02291.
gnomAD v4.1: 5,288 of 1,614,000 alleles (0.33%); highest among the groups gnomAD compares: African/African-American, 6.3%; 149 homozygotes.

Submissions (13):

Labcorp Genetics (formerly Invitae), Labcorp
Classification: Benign for Familial hypobetalipoproteinemia 1; Hypercholesterolemia, autosomal dominant, type B. Last evaluated: 2026-02-04. Review status: criteria provided, single submitter. Criteria: Invitae Variant Classification Sherloc (09022015). Collection method: clinical testing. Allele origin: germline.

Molecular Diagnostic Laboratory for Inherited Cardiovascular Disease, Montreal Heart Institute
Classification: Benign. Last evaluated: 2025-04-09. Review status: criteria provided, single submitter. Criteria: ACMG Guidelines, 2015. Collection method: clinical testing. Allele origin: germline. Affected: no.

ARUP Laboratories, Molecular Genetics and Genomics, ARUP Laboratories
Classification: Benign. Last evaluated: 2025-03-11. Review status: criteria provided, single submitter. Criteria: ARUP Molecular Germline Variant Investigation Process 2024. Collection method: clinical testing. Allele origin: germline.

GENinCode PLC
Classification: Benign for Familial hypercholesterolemia. Last evaluated: 2022-06-21. Review status: criteria provided, single submitter. Criteria: ACMG Guidelines, 2015. Collection method: clinical testing. Allele origin: germline.

Quest Diagnostics Nichols Institute San Juan Capistrano
Classification: Benign. Last evaluated: 2022-05-27. Review status: criteria provided, single submitter. Criteria: Quest Diagnostics criteria. Collection method: clinical testing. Allele origin: unknown.

Mayo Clinic Laboratories, Mayo Clinic
Classification: Benign. Last evaluated: 2018-09-07. Review status: criteria provided, single submitter. Criteria: ACMG Guidelines, 2015. Collection method: clinical testing. Allele origin: germline. Observed: 9 variant alleles.

Illumina Laboratory Services, Illumina
Classification: Benign for Hypercholesterolemia, autosomal dominant, type B. Last evaluated: 2018-01-13. Review status: criteria provided, single submitter. Criteria: ICSL Variant Classification Criteria 13 December 2019. Collection method: clinical testing. Allele origin: germline.
Comment: This variant was observed in the ICSL laboratory as part of a predisposition screen in an ostensibly healthy population. It had not been previously curated by ICSL or reported in the Human Gene Mutation Database (HGMD: prior to June 1st, 2018), and was therefore a candidate for classification through an automated scoring system. Utilizing variant allele frequency, disease prevalence and penetrance estimates, and inheritance mode, an automated score was calculated to assess if this variant is too frequent to cause the disease. Based on the score and internal cut-off values, a variant classified as benign is not then subjected to further curation. The score for this variant resulted in a classification of benign for this disease.

Illumina Laboratory Services, Illumina
Classification: Likely benign for Familial hypobetalipoproteinemia 1. Last evaluated: 2018-01-13. Review status: criteria provided, single submitter. Criteria: ICSL Variant Classification Criteria 13 December 2019. Collection method: clinical testing. Allele origin: germline.
Comment: This variant was observed in the ICSL laboratory as part of a predisposition screen in an ostensibly healthy population. It had not been previously curated by ICSL or reported in the Human Gene Mutation Database (HGMD: prior to June 1st, 2018), and was therefore a candidate for classification through an automated scoring system. Utilizing variant allele frequency, disease prevalence and penetrance estimates, and inheritance mode, an automated score was calculated to assess if this variant is too frequent to cause the disease. Based on the score and internal cut-off values, a variant classified as likely benign is not then subjected to further curation. The score for this variant resulted in a classification of likely benign for this disease.

Ambry Genetics
Classification: Benign for Cardiovascular phenotype. Last evaluated: 2017-08-24. Review status: criteria provided, single submitter. Criteria: Ambry Variant Classification Scheme 2023. Collection method: clinical testing. Allele origin: germline.

GeneDx
Classification: Benign. Last evaluated: 2017-03-21. Review status: criteria provided, single submitter. Criteria: GeneDx Variant Classification (06012015). Collection method: clinical testing. Allele origin: germline. Affected: yes.
Comment: This variant is considered likely benign or benign based on one or more of the following criteria: it is a conservative change, it occurs at a poorly conserved position in the protein, it is predicted to be benign by multiple in silico algorithms, and/or has population frequency not consistent with disease.

Breakthrough Genomics
Classification: Likely benign. Review status: criteria provided, single submitter. Criteria: ACMG Guidelines, 2015. Collection method: not provided. Allele origin: germline. Inheritance: Autosomal recessive inheritance. Affected: yes.

Clinical Genetics, Academic Medical Center
Classification: Benign. Review status: no assertion criteria provided. Collection method: clinical testing. Allele origin: germline. Affected: yes. Study: VKGL Data-share Consensus. Not counted in ClinVar's aggregate classification.

Diagnostic Laboratory, Department of Genetics, University Medical Center Groningen
Classification: Likely benign. Review status: no assertion criteria provided. Collection method: clinical testing. Allele origin: germline. Affected: yes. Study: VKGL Data-share Consensus. Not counted in ClinVar's aggregate classification.

Literature cited by the submitters: PubMed 19602640 (cited by Quest Diagnostics Nichols Institute San Juan Capistrano).

NM_000384.3(APOB):c.9004C>T (p.Leu3002=)

Gene: APOB (apolipoprotein B; minus strand). Cytogenetic location: 2p24.1.
Variant type: single nucleotide variant.
Coding change: c.9004C>T on transcript NM_000384.3 (MANE Select); coding-DNA position 9004, C replaced by T.
Protein change: p.Leu3002=; no amino-acid change (leucine 3002 retained).
Molecular consequence: synonymous variant.
Genome position (GRCh38, 1-based): chr2:21,007,864, G>A on the plus strand (C>T on the coding strand, the complement: APOB is on the minus strand). VCF-style: chr2-21007864-G-A. GRCh37 (hg19) VCF-style: chr2-21230736-G-A.
Other names: p.Leu3002=.
Identifiers: ClinVar variation 334116 (VCV000334116.35), dbSNP rs12713600, ClinGen allele CA066172.
Genomic context (GRCh38, chr2:21,007,864, plus strand): 5'-CATGCCTCCCAGTAAACTCTGCCTTCCCTTCTCCAAACAGTGCCATGCCTTTAGCAGTTA[G>A]AACACTGTGGCCCACATGCTGGGAATCGACTTGTGATTGAATTTCAAGTTTAGAAAAGTT-3'
Protein context (NP_000375.3, residues 2992-3012): VDSQHVGHSV[Leu3002=]TAKGMALFGE